The following is an entry in ClinVar:

NM_000465.4(BARD1):c.1315-5del

Gene: BARD1 (BRCA1 associated RING domain 1; minus strand). Cytogenetic location: 2q35.
Variant type: Deletion.
Coding change: c.1315-5del on transcript NM_000465.4 (MANE Select); 5 bases into the intron before coding-DNA position 1315, one base deleted (T; older notation c.1315-5delT).
Molecular consequence: intron variant.
Genome position (GRCh38, 1-based): chr2:214,769,317, A deleted on the plus strand (T on the coding strand, the reverse complement: BARD1 is on the minus strand); the first of 5 consecutive A bases (chr2:214,769,317-214,769,321); deleting any one gives the same sequence. VCF-style (leftmost placement, unchanged base first): chr2-214769316-GA-G. GRCh37 (hg19) VCF-style: chr2-215634040-GA-G.
Other names: c.159-16762del (NM_001282548.2); c.1258-5del (NM_001282543.2); c.216-16762del (NM_001282545.2); c.364+22980del (NM_001282549.2).
Identifiers: ClinVar variation 1574321 (VCV001574321.10), dbSNP rs2106081615, ClinGen allele CA2573135153.

ClinVar aggregate classification (germline): Benign/Likely benign. Review status: criteria provided, multiple submitters, no conflicts (2 of 4 stars). 2 submissions from 2 submitters: Benign (1); Likely benign (1). Last evaluated 2024-07-24.

Conditions:
Familial cancer of breast. Also called: hereditary breast carcinoma; BREAST CANCER, FAMILIAL; Hereditary breast cancer. Identifiers: Orphanet 227535, MedGen C0346153, MONDO:0016419, OMIM 114480. Disease mechanism: loss of function.

Submissions (2):

Myriad Genetics, Inc.
Classification: Likely benign for Familial cancer of breast. Last evaluated: 2024-07-24. Review status: criteria provided, single submitter. Criteria: Myriad Autosomal Dominant, Autosomal Recessive and X-Linked Classification Criteria (2023). Collection method: clinical testing. Allele origin: unknown.
Comment: This variant is considered likely benign. This variant is intronic and is not expected to impact mRNA splicing.

Labcorp Genetics (formerly Invitae), Labcorp
Classification: Benign for Familial cancer of breast. Last evaluated: 2021-12-15. Review status: criteria provided, single submitter. Criteria: Invitae Variant Classification Sherloc (09022015). Collection method: clinical testing. Allele origin: germline.